The following is an entry in ClinVar:

ClinVar aggregate classification (germline): Conflicting classifications of pathogenicity. Review status: criteria provided, conflicting classifications (1 of 4 stars). 2 submissions from 2 submitters: Uncertain significance (1); Likely benign (1). Last evaluated 2026-03-01.

gnomAD v4.1: 47 of 1,613,352 alleles (0.0029%); highest among the groups gnomAD compares: Admixed American, 0.0033%; no homozygotes.

Submissions (2):

CeGaT Center for Human Genetics Tuebingen
Classification: Likely benign. Last evaluated: 2026-03-01. Review status: criteria provided, single submitter. Criteria: CeGaT Center For Human Genetics Tuebingen Variant Classification Criteria Version 2. Collection method: clinical testing. Allele origin: germline. Affected: yes. Observed: 1 variant allele.
Comment: DPYD: BP4, BP7

Athena Diagnostics
Classification: Uncertain significance. Last evaluated: 2024-02-01. Review status: criteria provided, single submitter. Criteria: Athena Diagnostics Criteria. Collection method: clinical testing. Allele origin: unknown.
Comment: Available data are insufficient to determine the clinical significance of the variant at this time. The frequency of this variant in the general population is uninformative in assessment of its pathogenicity. Computational tools yielded predictions that this variant is unlikely to have an effect on normal RNA splicing.

NM_000110.4(DPYD):c.2886C>T (p.Thr962=)

Gene: DPYD (dihydropyrimidine dehydrogenase; minus strand). Cytogenetic location: 1p21.3.
Variant type: single nucleotide variant.
Coding change: c.2886C>T on transcript NM_000110.4 (MANE Select); coding-DNA position 2886, C replaced by T.
Protein change: p.Thr962=; no amino-acid change (threonine 962 retained).
Molecular consequence: synonymous variant.
Genome position (GRCh38, 1-based): chr1:97,082,351, G>A on the plus strand (C>T on the coding strand, the complement: DPYD is on the minus strand). VCF-style: chr1-97082351-G-A. GRCh37 (hg19) VCF-style: chr1-97547907-G-A.
Identifiers: ClinVar variation 3571928 (VCV003571928.5).